The following is an entry in ClinVar:

ClinVar aggregate classification (germline): Uncertain significance. Review status: criteria provided, multiple submitters, no conflicts (2 of 4 stars). 2 submissions from 2 submitters: Uncertain significance (2). Last evaluated 2024-03-09.

Conditions:
Orofaciodigital syndrome type 6 (OFD6). Also called: OROFACIODIGITAL SYNDROME VI; OFDS VI; POLYDACTYLY, CLEFT LIP/PALATE OR LINGUAL LUMP, AND PSYCHOMOTOR RETARDATION; VARADI SYNDROME; VARADI-PAPP SYNDROME; Oral-facial-digital syndrome type 6. Identifiers: Orphanet 2754, MedGen C2745997, MONDO:0010176, OMIM 277170.
Joubert syndrome 17 (JBTS17). Identifiers: Orphanet 475, MedGen C3553264, MONDO:0013824, OMIM 614615.

Allele frequency attached by ClinVar (database versions not stated): gnomAD exomes 0.00001 and 0.00002; gnomAD 0.00004 and 0.00005; TOPMed 0.00004; ExAC 0.00009.
gnomAD v4.1: 11 of 1,531,332 alleles (0.00072%); highest among the groups gnomAD compares: African/African-American, 0.014%; no homozygotes.

Submissions (2):

Fulgent Genetics
Classification: Uncertain significance for Orofaciodigital syndrome type 6; Joubert syndrome 17. Last evaluated: 2024-03-09. Review status: criteria provided, single submitter. Criteria: ACMG Guidelines, 2015. Collection method: clinical testing. Allele origin: germline.

Labcorp Genetics (formerly Invitae), Labcorp
Classification: Uncertain significance. Last evaluated: 2022-10-05. Review status: criteria provided, single submitter. Criteria: Invitae Variant Classification Sherloc (09022015). Collection method: clinical testing. Allele origin: germline.
Comment: This sequence change replaces leucine, which is neutral and non-polar, with phenylalanine, which is neutral and non-polar, at codon 45 of the CPLANE1 protein (p.Leu45Phe). This variant is present in population databases (rs755773138, gnomAD 0.03%). This variant has not been reported in the literature in individuals affected with CPLANE1-related conditions. ClinVar contains an entry for this variant (Variation ID: 1357761). Advanced modeling of protein sequence and biophysical properties (such as structural, functional, and spatial information, amino acid conservation, physicochemical variation, residue mobility, and thermodynamic stability) performed at Invitae indicates that this missense variant is not expected to disrupt CPLANE1 protein function. Algorithms developed to predict the effect of sequence changes on RNA splicing suggest that this variant may disrupt the consensus splice site. In summary, the available evidence is currently insufficient to determine the role of this variant in disease. Therefore, it has been classified as a Variant of Uncertain Significance.

NM_001384732.1(CPLANE1):c.135G>T (p.Leu45Phe)

Gene: CPLANE1 (ciliogenesis and planar polarity effector complex subunit 1; minus strand). Cytogenetic location: 5p13.2.
Variant type: single nucleotide variant.
Coding change: c.135G>T on transcript NM_001384732.1 (MANE Select); coding-DNA position 135, G replaced by T.
Protein change: p.Leu45Phe; replaces leucine 45 with phenylalanine.
Molecular consequence: missense variant.
Genome position (GRCh38, 1-based): chr5:37,245,792, C>A on the plus strand (G>T on the coding strand, the complement: CPLANE1 is on the minus strand). VCF-style: chr5-37245792-C-A. GRCh37 (hg19) VCF-style: chr5-37245894-C-A.
Other names: c.135G>T (NM_023073.3); c.135G>T, p.Leu45Phe (NM_023073.4); short protein forms L45F.
Identifiers: ClinVar variation 1357761 (VCV001357761.4), dbSNP rs755773138, ClinGen allele CA3239207.
Genomic context (GRCh38, chr5:37,245,792, plus strand): 5'-AATAACATCCTTCAAGAAAGGCTGCAGACTAGGAATTTTCTTCTTTATCTTTCCTGATAG[C>A]AAATTAATTTCATTTATGAATTTATCATCCAAAAGAAAAACGGCTTCTTTTTCCTAAGAG-3'
Protein context (NP_001371661.1, residues 35-55): LDDKFINEIN[Leu45Phe]LSGKIKKKIP